The following is an entry in ClinVar:

NM_005055.5(RAPSN):c.574C>T (p.Leu192Phe)

Gene: RAPSN (receptor associated protein of the synapse; minus strand). Cytogenetic location: 11p11.2.
Variant type: single nucleotide variant.
Coding change: c.574C>T on transcript NM_005055.5 (MANE Select); coding-DNA position 574, C replaced by T.
Protein change: p.Leu192Phe; replaces leucine 192 with phenylalanine.
Molecular consequence: missense variant.
Genome position (GRCh38, 1-based): chr11:47,442,772, G>A on the plus strand (C>T on the coding strand, the complement: RAPSN is on the minus strand). VCF-style: chr11-47442772-G-A. GRCh37 (hg19) VCF-style: chr11-47464324-G-A.
Other names: c.574C>T, p.Leu192Phe (NM_032645.5); short protein forms L192F.
Identifiers: ClinVar variation 1430781 (VCV001430781.3), dbSNP rs376041895, ClinGen allele CA5976700.
Genomic context (GRCh38, chr11:47,442,772, plus strand): 5'-TGTGGTACTGGCTCATGGCCCGGTACTTCAGGCTCCAGCCTTTGCCATAGTTGTTGACAA[G>A]CTCTGCCGCCTTGCAGGGGAAGAACAGGGCTTTCTCGTAGTCCTGCAGGGGACATGGAAT-3'
Protein context (NP_005046.2, residues 182-202): ALFFPCKAAE[Leu192Phe]VNNYGKGWSL

ClinVar aggregate classification (germline): Uncertain significance (1 of 4 stars; one submission).

Conditions:
Fetal akinesia deformation sequence 1 (FADS1). Also called: Pena-Shokeir syndrome type I; Fetal akinesia sequence. Identifiers: Orphanet 994, MedGen C1276035, MONDO:0100101, OMIM 208150, HP:0001989.
Congenital myasthenic syndrome 11. Also called: Myasthenic syndrome, congenital, 11, associated with acetylcholine receptor deficiency; MYASTHENIC SYNDROME, CONGENITAL, Ie. Identifiers: Orphanet 590, MedGen C4225367, MONDO:0014588, OMIM 616326.

Allele frequency attached by ClinVar (database versions not stated): gnomAD exomes below 0.00001; ExAC 0.00001; TOPMed 0.00001; gnomAD 0.00002; ESP Exome Variant Server 0.00008.
gnomAD v4.1: 3 of 1,614,150 alleles (0.00019%); highest among the groups gnomAD compares: African/African-American, 0.004%; no homozygotes.

Submission:

Labcorp Genetics (formerly Invitae), Labcorp
Classification: Uncertain significance for Congenital myasthenic syndrome 11; Fetal akinesia deformation sequence 1. Last evaluated: 2021-11-14. Review status: criteria provided, single submitter. Criteria: Invitae Variant Classification Sherloc (09022015). Collection method: clinical testing. Allele origin: germline.
Comment: This sequence change replaces leucine, which is neutral and non-polar, with phenylalanine, which is neutral and non-polar, at codon 192 of the RAPSN protein (p.Leu192Phe). This variant is present in population databases (rs376041895, gnomAD 0.007%). This variant has not been reported in the literature in individuals affected with RAPSN-related conditions. Algorithms developed to predict the effect of missense changes on protein structure and function are either unavailable or do not agree on the potential impact of this missense change (SIFT: "Deleterious"; PolyPhen-2: "Probably Damaging"; Align-GVGD: "Class C0"). In summary, the available evidence is currently insufficient to determine the role of this variant in disease. Therefore, it has been classified as a Variant of Uncertain Significance.